The following is an entry in ClinVar:

NM_020928.2(ZSWIM6):c.73G>A (p.Gly25Arg)

Gene: ZSWIM6 (zinc finger SWIM-type containing 6; plus strand). Cytogenetic location: 5q12.1.
Variant type: single nucleotide variant.
Coding change: c.73G>A on transcript NM_020928.2 (MANE Select); coding-DNA position 73, G replaced by A.
Protein change: p.Gly25Arg; replaces glycine 25 with arginine.
Molecular consequence: missense variant.
Genome position (GRCh38, 1-based): chr5:61,332,345, G>A. VCF-style: chr5-61332345-G-A. GRCh37 (hg19) VCF-style: chr5-60628172-G-A.
Other names: short protein forms G25R.
Identifiers: ClinVar variation 1379569 (VCV001379569.6), dbSNP rs1744267178, ClinGen allele CA359939927.

ClinVar aggregate classification (germline): Uncertain significance (1 of 4 stars; one submission).

Allele frequency attached by ClinVar (database versions not stated): gnomAD 0.00001; TOPMed 0.00001.
gnomAD v4.1: 10 of 1,043,584 alleles (0.00096%); highest among the groups gnomAD compares: African/African-American, 0.0017%; no homozygotes.

Submission:

Labcorp Genetics (formerly Invitae), Labcorp
Classification: Uncertain significance. Last evaluated: 2022-08-15. Review status: criteria provided, single submitter. Criteria: Invitae Variant Classification Sherloc (09022015). Collection method: clinical testing. Allele origin: germline.
Comment: This sequence change replaces glycine, which is neutral and non-polar, with arginine, which is basic and polar, at codon 25 of the ZSWIM6 protein (p.Gly25Arg). This variant is not present in population databases (gnomAD no frequency). This variant has not been reported in the literature in individuals affected with ZSWIM6-related conditions. ClinVar contains an entry for this variant (Variation ID: 1379569). Algorithms developed to predict the effect of missense changes on protein structure and function are either unavailable or do not agree on the potential impact of this missense change (SIFT: "Tolerated"; PolyPhen-2: "Not Available"; Align-GVGD: "Class C0"). In summary, the available evidence is currently insufficient to determine the role of this variant in disease. Therefore, it has been classified as a Variant of Uncertain Significance.